The following is an entry in ClinVar:

NM_000541.5(SAG):c.649-1G>A

Gene: SAG (S-antigen visual arrestin; plus strand). Cytogenetic location: 2q37.1.
Variant type: single nucleotide variant.
Coding change: c.649-1G>A on transcript NM_000541.5 (MANE Select); the canonical splice acceptor site of the intron before coding-DNA position 649, G replaced by A.
Molecular consequence: splice acceptor variant.
Genome position (GRCh38, 1-based): chr2:233,329,492, G>A. VCF-style: chr2-233329492-G-A. GRCh37 (hg19) VCF-style: chr2-234238138-G-A.
Identifiers: ClinVar variation 1479039 (VCV001479039.8), dbSNP rs929766806, ClinGen allele CA351047770.
Genomic context (GRCh38, chr2:233,329,492, plus strand): 5'-TAAGATTAAAGACACCGCCACATCTGTTCTCTTCTTCTGACCTATCTGCTGACTTTTCTA[G>A]ATCTATTTCCATGGGGAGCCCATCCCTGTGACCGTGACTGTCACCAATAACACAGAGAAG-3'

ClinVar aggregate classification (germline): Likely pathogenic (1 of 4 stars; one submission).

Submission:

Labcorp Genetics (formerly Invitae), Labcorp
Classification: Likely pathogenic. Last evaluated: 2022-08-31. Review status: criteria provided, single submitter. Criteria: Invitae Variant Classification Sherloc (09022015). Collection method: clinical testing. Allele origin: germline.
Comment: This sequence change affects an acceptor splice site in intron 8 of the SAG gene. It is expected to disrupt RNA splicing. Variants that disrupt the donor or acceptor splice site typically lead to a loss of protein function (PMID: 16199547), and loss-of-function variants in SAG are known to be pathogenic (PMID: 9452120, 15234147, 22665972). This variant is not present in population databases (gnomAD no frequency). This variant has not been reported in the literature in individuals affected with SAG-related conditions. ClinVar contains an entry for this variant (Variation ID: 1479039). Algorithms developed to predict the effect of sequence changes on RNA splicing suggest that this variant may disrupt the consensus splice site. In summary, the currently available evidence indicates that the variant is pathogenic, but additional data are needed to prove that conclusively. Therefore, this variant has been classified as Likely Pathogenic.

Literature cited by the submitters: PubMed 16199547; PubMed 9452120; PubMed 15234147; PubMed 22665972.